The following is an entry in ClinVar:

ClinVar aggregate classification (germline): Uncertain significance (1 of 4 stars; one submission).

Allele frequency attached by ClinVar (database versions not stated): gnomAD 0.00001; TOPMed 0.00001.
gnomAD v4.1: 2 of 1,613,506 alleles (0.00012%); highest among the groups gnomAD compares: African/African-American, 0.0027%; no homozygotes.

Submission:

GeneDx
Classification: Uncertain significance. Last evaluated: 2023-01-03. Review status: criteria provided, single submitter. Criteria: GeneDx Variant Classification Process June 2021. Collection method: clinical testing. Allele origin: germline. Affected: yes.
Comment: In silico analysis supports that this missense variant has a deleterious effect on protein structure/function; Has not been previously published as pathogenic or benign to our knowledge

NM_058004.4(PI4KA):c.973C>T (p.Pro325Ser)

Gene: PI4KA (phosphatidylinositol 4-kinase alpha; minus strand). Cytogenetic location: 22q11.21.
Variant type: single nucleotide variant.
Coding change: c.973C>T on transcript NM_058004.4 (MANE Select); coding-DNA position 973, C replaced by T.
Protein change: p.Pro325Ser; replaces proline 325 with serine.
Molecular consequence: missense variant.
Genome position (GRCh38, 1-based): chr22:20,813,390, G>A on the plus strand (C>T on the coding strand, the complement: PI4KA is on the minus strand). VCF-style: chr22-20813390-G-A. GRCh37 (hg19) VCF-style: chr22-21167678-G-A.
Other names: c.973C>T, p.Pro325Ser (NM_001362862.2, NM_001362863.2); short protein forms P325S.
Identifiers: ClinVar variation 2507308 (VCV002507308.1), dbSNP rs1242346793, ClinGen allele CA410762434.
Genomic context (GRCh38, chr22:20,813,390, plus strand): 5'-TCTGTTCATCCATCAGTTCTTTGCTTACCAGGTTTAAGAGTTCCCGAAGCATTTCCAATG[G>A]AATGTTAAACTCCTTATATGTGACACCGTTGAAAAGGGGAGAGACTGAGAAGCTGGAGCT-3'
Protein context (NP_477352.3, residues 315-335): NGVTYKEFNI[Pro325Ser]LEMLRELLNL